The following is an entry in ClinVar:

NM_031433.4(MFRP):c.570C>G (p.Ser190Arg)

Genes: C1QTNF5 (C1q and TNF related 5; minus strand), MFRP (membrane frizzled-related protein; minus strand). Cytogenetic location: 11q23.3.
Variant type: single nucleotide variant.
Coding change: c.570C>G on transcript NM_031433.4 (MANE Select); coding-DNA position 570, C replaced by G.
Protein change: p.Ser190Arg; replaces serine 190 with arginine.
Molecular consequence: missense variant. On other transcripts: 5 prime UTR variant (1).
Genome position (GRCh38, 1-based): chr11:119,345,491, G>C on the plus strand (C>G on the coding strand, the complement: MFRP is on the minus strand). VCF-style: chr11-119345491-G-C. GRCh37 (hg19) VCF-style: chr11-119216201-G-C.
Other names: c.-2067C>G (NM_015645.5); short protein forms S190R.
Identifiers: ClinVar variation 1980403 (VCV001980403.3), dbSNP rs746948011, ClinGen allele CA6320507.

ClinVar aggregate classification (germline): Uncertain significance. Review status: criteria provided, multiple submitters, no conflicts (2 of 4 stars). 2 submissions from 2 submitters: Uncertain significance (2). Last evaluated 2022-03-11.

Conditions:
Isolated microphthalmia 5. Also called: Posterior Microphthalmia with Retinitis Pigmentosa, Foveoschisis, and Optic Disc Drusen. Identifiers: Orphanet 251279, MedGen C1970236, MONDO:0012605, OMIM 611040.

Allele frequency attached by ClinVar (database versions not stated): ExAC 0.00001; gnomAD 0.00001; gnomAD exomes 0.00002; TOPMed 0.00002.
gnomAD v4.1: 34 of 1,614,004 alleles (0.0021%); highest among the groups gnomAD compares: Non-Finnish European, 0.0028%; no homozygotes.

Submissions (2):

Labcorp Genetics (formerly Invitae), Labcorp
Classification: Uncertain significance for Isolated microphthalmia 5. Last evaluated: 2022-03-11. Review status: criteria provided, single submitter. Criteria: Invitae Variant Classification Sherloc (09022015). Collection method: clinical testing. Allele origin: germline.
Comment: In summary, the available evidence is currently insufficient to determine the role of this variant in disease. Therefore, it has been classified as a Variant of Uncertain Significance. Algorithms developed to predict the effect of missense changes on protein structure and function are either unavailable or do not agree on the potential impact of this missense change (SIFT: "Deleterious"; PolyPhen-2: "Probably Damaging"; Align-GVGD: "Class C0"). This variant has not been reported in the literature in individuals affected with MFRP-related conditions. This variant is present in population databases (rs746948011, gnomAD 0.0009%). This sequence change replaces serine, which is neutral and polar, with arginine, which is basic and polar, at codon 190 of the MFRP protein (p.Ser190Arg).

Blueprint Genetics
Classification: Uncertain significance. Last evaluated: 2022-02-15. Review status: criteria provided, single submitter. Criteria: ACMG Guidelines, 2015. Collection method: clinical testing. Allele origin: germline.